The following is an entry in ClinVar:

ClinVar aggregate classification (germline): Uncertain significance (1 of 4 stars; one submission).

Submission:

Labcorp Genetics (formerly Invitae), Labcorp
Classification: Uncertain significance. Last evaluated: 2021-12-02. Review status: criteria provided, single submitter. Criteria: Invitae Variant Classification Sherloc (09022015). Collection method: clinical testing. Allele origin: germline.
Comment: This variant, c.44_46del, results in the deletion of 1 amino acid(s) of the TBCD protein (p.Glu15del), but otherwise preserves the integrity of the reading frame. This variant is not present in population databases (gnomAD no frequency). This variant has not been reported in the literature in individuals affected with TBCD-related conditions. Experimental studies and prediction algorithms are not available or were not evaluated, and the functional significance of this variant is currently unknown. In summary, the available evidence is currently insufficient to determine the role of this variant in disease. Therefore, it has been classified as a Variant of Uncertain Significance.

NM_005993.5(TBCD):c.38AGG[2] (p.Glu15del)

Gene: TBCD (tubulin folding cofactor D). Cytogenetic location: 17q25.3.
Variant type: Microsatellite.
Coding change: c.38AGG[2] on transcript NM_005993.5 (MANE Select); two copies in a row of the 3-base unit AGG starting at c.38.
Protein change: p.Glu15del; deletes glutamic acid 15.
Molecular consequence: inframe deletion.
Genome position: GRCh38 VCF-style: chr17-82752229-CGAG-C. GRCh37 (hg19) VCF-style: chr17-80710105-CGAG-C.
Other names: short protein forms E15del.
Identifiers: ClinVar variation 1470127 (VCV001470127.3), dbSNP rs1209134139, ClinGen allele CA775783782.